The following is an entry in ClinVar:

NM_001378452.1(ITPR1):c.6973A>T (p.Met2325Leu)

Gene: ITPR1 (inositol 1,4,5-trisphosphate receptor type 1; plus strand). Cytogenetic location: 3p26.1.
Variant type: single nucleotide variant.
Coding change: c.6973A>T on transcript NM_001378452.1 (MANE Select); coding-DNA position 6973, A replaced by T.
Protein change: p.Met2325Leu; replaces methionine 2325 with leucine.
Molecular consequence: missense variant.
Genome position (GRCh38, 1-based): chr3:4,800,466, A>T. VCF-style: chr3-4800466-A-T. GRCh37 (hg19) VCF-style: chr3-4842150-A-T.
Other names: c.6829A>T, p.Met2277Leu (NM_001099952.4); c.6928A>T, p.Met2310Leu (NM_001168272.2); c.6784A>T, p.Met2262Leu (NM_002222.7); short protein forms M2262L, M2277L, M2310L, M2325L.
Identifiers: ClinVar variation 2421655 (VCV002421655.6), dbSNP rs375240191, ClinGen allele CA2232746.

ClinVar aggregate classification (germline): Uncertain significance (1 of 4 stars; one submission).

Allele frequency attached by ClinVar (database versions not stated): ExAC 0.00001; ESP Exome Variant Server 0.00008.
gnomAD v4.1: 10 of 1,614,048 alleles (0.00062%); highest among the groups gnomAD compares: Non-Finnish European, 0.00085%; no homozygotes.

Submission:

Labcorp Genetics (formerly Invitae), Labcorp
Classification: Uncertain significance. Last evaluated: 2022-10-25. Review status: criteria provided, single submitter. Criteria: Invitae Variant Classification Sherloc (09022015). Collection method: clinical testing. Allele origin: germline.
Comment: This variant has not been reported in the literature in individuals affected with ITPR1-related conditions. This variant is present in population databases (rs375240191, gnomAD 0.0009%). This sequence change replaces methionine, which is neutral and non-polar, with leucine, which is neutral and non-polar, at codon 2262 of the ITPR1 protein (p.Met2262Leu). Advanced modeling of protein sequence and biophysical properties (such as structural, functional, and spatial information, amino acid conservation, physicochemical variation, residue mobility, and thermodynamic stability) performed at Invitae indicates that this missense variant is not expected to disrupt ITPR1 protein function. In summary, the available evidence is currently insufficient to determine the role of this variant in disease. Therefore, it has been classified as a Variant of Uncertain Significance.